The following is an entry in ClinVar:

NM_001111.5(ADAR):c.3471C>T (p.Ser1157=)

Gene: ADAR (adenosine deaminase RNA specific; minus strand). Cytogenetic location: 1q21.3.
Variant type: single nucleotide variant.
Coding change: c.3471C>T on transcript NM_001111.5 (MANE Select); coding-DNA position 3471, C replaced by T.
Protein change: p.Ser1157=; no amino-acid change (serine 1157 retained).
Molecular consequence: synonymous variant.
Genome position (GRCh38, 1-based): chr1:154,585,016, G>A on the plus strand (C>T on the coding strand, the complement: ADAR is on the minus strand). VCF-style: chr1-154585016-G-A. GRCh37 (hg19) VCF-style: chr1-154557492-G-A.
Other names: c.2586C>T, p.Ser862= (NM_001025107.3, NM_001193495.2, NM_001365046.1 and 2 more transcripts); c.3498C>T, p.Ser1166= (NM_001365045.1); c.2508C>T, p.Ser836= (NM_001365049.1); c.3393C>T, p.Ser1131= (NM_015840.4); c.3336C>T, p.Ser1112= (NM_015841.4).
Identifiers: ClinVar variation 2953312 (VCV002953312.3), dbSNP rs1163093695, ClinGen allele CA421231562.

ClinVar aggregate classification (germline): Uncertain significance (1 of 4 stars; one submission).

Conditions:
Symmetrical dyschromatosis of extremities (DSH). Also called: RETICULATE ACROPIGMENTATION OF DOHI; DYSCHROMATOSIS SYMMETRICA HEREDITARIA 1; SYMMETRIC DYSCHROMATOSIS OF THE EXTREMITIES; Dyschromatosis symmetrica hereditaria. Identifiers: Orphanet 41, MedGen C0406775, MONDO:0007483, OMIM 127400.
Aicardi-Goutieres syndrome 6 (AGS6). Identifiers: Orphanet 51, MedGen C3539013, MONDO:0014007, OMIM 615010.

Allele frequency attached by ClinVar (database versions not stated): gnomAD exomes below 0.00001.
gnomAD v4.1: 1 of 1,613,976 alleles (0.000062%); no homozygotes.

Submission:

Labcorp Genetics (formerly Invitae), Labcorp
Classification: Uncertain significance for Aicardi-Goutieres syndrome 6; Symmetrical dyschromatosis of extremities. Last evaluated: 2023-10-27. Review status: criteria provided, single submitter. Criteria: Invitae Variant Classification Sherloc (09022015). Collection method: clinical testing. Allele origin: germline.
Comment: This sequence change affects codon 1157 of the ADAR mRNA. It is a 'silent' change, meaning that it does not change the encoded amino acid sequence of the ADAR protein. This variant is not present in population databases (gnomAD no frequency). This variant has not been reported in the literature in individuals affected with ADAR-related conditions. Algorithms developed to predict the effect of sequence changes on RNA splicing suggest that this variant may create or strengthen a splice site. In summary, the available evidence is currently insufficient to determine the role of this variant in disease. Therefore, it has been classified as a Variant of Uncertain Significance.